The following is an entry in ClinVar:

NM_006445.4(PRPF8):c.1503C>T (p.Tyr501=)

Gene: PRPF8 (pre-mRNA processing factor 8; minus strand). Cytogenetic location: 17p13.3.
Variant type: single nucleotide variant.
Coding change: c.1503C>T on transcript NM_006445.4 (MANE Select); coding-DNA position 1503, C replaced by T.
Protein change: p.Tyr501=; no amino-acid change (tyrosine 501 retained).
Molecular consequence: synonymous variant.
Genome position (GRCh38, 1-based): chr17:1,679,113, G>A on the plus strand (C>T on the coding strand, the complement: PRPF8 is on the minus strand). VCF-style: chr17-1679113-G-A. GRCh37 (hg19) VCF-style: chr17-1582407-G-A.
Identifiers: ClinVar variation 1155616 (VCV001155616.28), dbSNP rs761806968, ClinGen allele CA8272333.
Genomic context (GRCh38, chr17:1,679,113, plus strand): 5'-GTTGTAGTCCAGGTGCAGGTAGTTGAGGTTTTTGCGGTGAATGAGAAGGTTGAGCATGTT[G>A]TAGCCCTGGCGGCAAACCTGGAGCCCAACCTCCACCCAGTCCAGCTTTGTGGACTGAAAG-3'
Protein context (NP_006436.3, residues 491-511): EVGLQVCRQG[Tyr501=]NMLNLLIHRK

ClinVar aggregate classification (germline): Likely benign. Review status: criteria provided, multiple submitters, no conflicts (2 of 4 stars). 3 submissions from 3 submitters: Likely benign (3). Last evaluated 2025-03-26.

Allele frequency attached by ClinVar (database versions not stated): TOPMed 0.00003; gnomAD exomes 0.00005 and 0.00004; ExAC 0.00006; gnomAD 0.00005.
gnomAD v4.1: 70 of 1,614,084 alleles (0.0043%); highest among the groups gnomAD compares: Non-Finnish European, 0.0043%; no homozygotes.

Submissions (3):

Labcorp Genetics (formerly Invitae), Labcorp
Classification: Likely benign. Last evaluated: 2025-03-26. Review status: criteria provided, single submitter. Criteria: Invitae Variant Classification Sherloc (09022015). Collection method: clinical testing. Allele origin: germline.

CeGaT Center for Human Genetics Tuebingen
Classification: Likely benign. Last evaluated: 2024-04-01. Review status: criteria provided, single submitter. Criteria: CeGaT Center For Human Genetics Tuebingen Variant Classification Criteria Version 2. Collection method: clinical testing. Allele origin: germline. Affected: yes. Observed: 1 variant allele.
Comment: PRPF8: BP4

Blueprint Genetics
Classification: Likely benign. Last evaluated: 2024-01-09. Review status: criteria provided, single submitter. Criteria: ACMG Guidelines, 2015. Collection method: clinical testing. Allele origin: germline.